The following is an entry in ClinVar:

ClinVar aggregate classification (germline): Likely benign (0 of 4 stars; one submission).

Conditions:
PARD3-related disorder. Also called: PARD3-related condition.

Allele frequency attached by ClinVar (database versions not stated): ESP Exome Variant Server 0.00008; TOPMed 0.00009; gnomAD 0.00017; gnomAD exomes 0.00034; 1000 Genomes Project 30x 0.00062; ExAC 0.00062; 1000 Genomes Project 0.00080.
gnomAD v4.1: 533 of 1,612,784 alleles (0.033%); highest among the groups gnomAD compares: South Asian, 0.39%; 3 homozygotes.

Submission:

PreventionGenetics, part of Exact Sciences
Classification: Likely benign for PARD3-related condition. Last evaluated: 2019-08-09. Review status: no assertion criteria provided. Collection method: clinical testing. Allele origin: germline.
Comment: This variant is classified as likely benign based on ACMG/AMP sequence variant interpretation guidelines (Richards et al. 2015 PMID: 25741868, with internal and published modifications).

NM_001184785.2(PARD3):c.3419+8C>T

Gene: PARD3 (par-3 family cell polarity regulator; minus strand). Cytogenetic location: 10p11.21.
Variant type: single nucleotide variant.
Coding change: c.3419+8C>T on transcript NM_001184785.2 (MANE Select); 8 bases into the intron after coding-DNA position 3419, C replaced by T.
Molecular consequence: intron variant.
Genome position (GRCh38, 1-based): chr10:34,269,649, G>A on the plus strand (C>T on the coding strand, the complement: PARD3 is on the minus strand). VCF-style: chr10-34269649-G-A. GRCh37 (hg19) VCF-style: chr10-34558577-G-A.
Other names: c.3158+8C>T (NM_001184790.2); c.3092+8C>T (NM_001184791.2); c.3179+8C>T (NM_001184789.2); c.3290+8C>T (NM_001184788.2); c.3380+8C>T (NM_001184786.2); c.3317+8C>T (NM_001184787.2); c.3428+8C>T (NM_019619.4).
Identifiers: ClinVar variation 3035306 (VCV003035306.2), dbSNP rs200780005, ClinGen allele CA5467299.
Genomic context (GRCh38, chr10:34,269,649, plus strand): 5'-TACTCCCCTGTCAGAAGCTGTATAAAAGCTGATTTGGAAGCAATACCACGATTGCCCCTG[G>A]CGCCTACCTGTCTACAGGTGAGGGTTTGGAATTCCGCGGCTTCTTGACTTGGGCATACAA-3'